The following is an entry in ClinVar:

ClinVar aggregate classification (germline): Likely pathogenic. Review status: criteria provided, single submitter (1 of 4 stars). 2 submissions from 2 submitters: Likely pathogenic (1). 1 of the submissions does not count toward it. Last evaluated 2021-12-14.

Conditions:
Familial cancer of breast. Also called: BREAST CANCER, FAMILIAL; Hereditary breast cancer; hereditary breast carcinoma. Identifiers: Orphanet 227535, MedGen C0346153, MONDO:0016419, OMIM 114480. Disease mechanism: loss of function.
Breast-ovarian cancer, familial, susceptibility to, 2 (BROVCA2). Also called: BRCA2 Hereditary Breast and Ovarian Cancer. Identifiers: Orphanet 145, MedGen C2675520, MONDO:0012933, OMIM 612555. Disease mechanism: loss of function.

Submissions (2):

Human Genetics Bochum, Ruhr University Bochum
Classification: Likely pathogenic for Breast-ovarian cancer, familial, susceptibility to, 2. Last evaluated: 2021-12-14. Review status: criteria provided, single submitter. Criteria: ACMG Guidelines, 2015. Collection method: clinical testing. Allele origin: germline. Affected: yes.
Comment: ACMG criteria used to clasify this variant: PVS1, PM2

ClinVar Staff, National Center for Biotechnology Information (NCBI)
No classification provided. Condition: Familial cancer of breast. Review status: no classification provided. Collection method: literature only. Allele origin: germline. Affected: yes. Not counted in ClinVar's aggregate classification.

Literature cited by the submitters: PubMed 14574168 (cited by ClinVar Staff, National Center for Biotechnology Information (NCBI)).

NM_000059.4(BRCA2):c.631+2T>C

Gene: BRCA2 (BRCA2 DNA repair associated; plus strand). Cytogenetic location: 13q13.1.
Variant type: single nucleotide variant.
Coding change: c.631+2T>C on transcript NM_000059.4 (MANE Select); the canonical splice donor site of the intron after coding-DNA position 631, T replaced by C.
Molecular consequence: splice donor variant.
Genome position (GRCh38, 1-based): chr13:32,326,615, T>C. VCF-style: chr13-32326615-T-C. GRCh37 (hg19) VCF-style: chr13-32900752-T-C.
Other names: c.631+2T>C (NM_001406720.1, NM_001406719.1, NM_001406721.1); c.262+2T>C (NM_001406722.1).
Identifiers: ClinVar variation 52053 (VCV000052053.4), dbSNP rs81002899, ClinGen allele CA023850.